The following is an entry in ClinVar:

ClinVar aggregate classification (germline): Uncertain significance (1 of 4 stars; one submission).

Conditions:
Joubert syndrome 14 (JBTS14). Identifiers: MedGen C3280766, MONDO:0013745, OMIM 614424.

Submission:

Labcorp Genetics (formerly Invitae), Labcorp
Classification: Uncertain significance for Joubert syndrome 14. Last evaluated: 2021-03-13. Review status: criteria provided, single submitter. Criteria: Invitae Variant Classification Sherloc (09022015). Collection method: clinical testing. Allele origin: germline.
Comment: This variant results in a copy number gain of the genomic region encompassing the full coding sequence of the TMEM237 gene. The boundaries of this event are unknown as they extend beyond the assayed region for this gene and therefore may encompass additional genes. As the precise location of this event is unknown, it may be in tandem or it may be located elsewhere in the genome. This variant has not been reported in the literature in individuals with TMEM237-related conditions. In summary, the available evidence is currently insufficient to determine the role of this variant in disease. Therefore, it has been classified as a Variant of Uncertain Significance.

NC_000002.11:g.(?_202488978)_(202508123_?)dup

Gene: TMEM237 (transmembrane protein 237; minus strand). Cytogenetic location: 2q33.1.
Variant type: Duplication.
Identifiers: ClinVar variation 2423586 (VCV002423586.3).